The following is an entry in ClinVar:

ClinVar aggregate classification (germline): Uncertain significance (1 of 4 stars; one submission).

Allele frequency attached by ClinVar (database versions not stated): TOPMed below 0.00001; ExAC 0.00001; gnomAD exomes below 0.00001.
gnomAD v4.1: 3 of 1,612,134 alleles (0.00019%); highest among the groups gnomAD compares: Admixed American, 0.0033%; no homozygotes.

Submission:

Labcorp Genetics (formerly Invitae), Labcorp
Classification: Uncertain significance. Last evaluated: 2025-08-22. Review status: criteria provided, single submitter. Criteria: Invitae Variant Classification Sherloc (09022015). Collection method: clinical testing. Allele origin: germline.
Comment: This sequence change replaces alanine, which is neutral and non-polar, with glutamic acid, which is acidic and polar, at codon 34 of the TBX20 protein (p.Ala34Glu). This variant is present in population databases (rs760317856, gnomAD 0.006%). This variant has not been reported in the literature in individuals affected with TBX20-related conditions. ClinVar contains an entry for this variant (Variation ID: 2874582). An algorithm developed to predict the effect of missense changes on protein structure and function (PolyPhen-2) suggests that this variant is likely to be tolerated. In summary, the available evidence is currently insufficient to determine the role of this variant in disease. Therefore, it has been classified as a Variant of Uncertain Significance.

NM_001077653.2(TBX20):c.101C>A (p.Ala34Glu)

Gene: TBX20 (T-box transcription factor 20; minus strand). Cytogenetic location: 7p14.2.
Variant type: single nucleotide variant.
Coding change: c.101C>A on transcript NM_001077653.2 (MANE Select); coding-DNA position 101, C replaced by A.
Protein change: p.Ala34Glu; replaces alanine 34 with glutamic acid.
Molecular consequence: missense variant.
Genome position (GRCh38, 1-based): chr7:35,253,520, G>T on the plus strand (C>A on the coding strand, the complement: TBX20 is on the minus strand). VCF-style: chr7-35253520-G-T. GRCh37 (hg19) VCF-style: chr7-35293131-G-T.
Other names: c.101C>A, p.Ala34Glu (NM_001166220.1); short protein forms A34E.
Identifiers: ClinVar variation 2874582 (VCV002874582.3), dbSNP rs760317856, ClinGen allele CA4217600.